The following is an entry in ClinVar:

NM_000083.3(CLCN1):c.443G>A (p.Trp148Ter)

Gene: CLCN1 (chloride voltage-gated channel 1; plus strand). Cytogenetic location: 7q34.
Variant type: single nucleotide variant.
Coding change: c.443G>A on transcript NM_000083.3 (MANE Select); coding-DNA position 443, G replaced by A.
Protein change: p.Trp148Ter; replaces tryptophan 148 with a stop codon.
Molecular consequence: nonsense. On other transcripts: non-coding transcript variant (1).
Genome position (GRCh38, 1-based): chr7:143,321,374, G>A. VCF-style: chr7-143321374-G-A. GRCh37 (hg19) VCF-style: chr7-143018467-G-A.
Other names: short protein forms W148*.
Identifiers: ClinVar variation 1381093 (VCV001381093.6), dbSNP rs2116837535, ClinGen allele CA369683333.

ClinVar aggregate classification (germline): Pathogenic (1 of 4 stars; one submission).

Conditions:
Congenital myotonia, autosomal recessive form. Also called: BECKER DISEASE; Becker Generalized Myotonia; myotonia congenita, autosomal recessive. Identifiers: Orphanet 614, MedGen C0751360, MONDO:0009715, OMIM 255700.
Congenital myotonia, autosomal dominant form (THD). Also called: THOMSEN DISEASE; Myotonia congenita autosomal dominant. Identifiers: Orphanet 614, MedGen C2936781, MONDO:0008055, OMIM 160800.

Submission:

Labcorp Genetics (formerly Invitae), Labcorp
Classification: Pathogenic for Congenital myotonia, autosomal recessive form; Congenital myotonia, autosomal dominant form. Last evaluated: 2022-07-18. Review status: criteria provided, single submitter. Criteria: Invitae Variant Classification Sherloc (09022015). Collection method: clinical testing. Allele origin: germline.
Comment: This sequence change creates a premature translational stop signal (p.Trp148*) in the CLCN1 gene. It is expected to result in an absent or disrupted protein product. Loss-of-function variants in CLCN1 are known to be pathogenic (PMID: 17932099, 22094069, 23739125). This variant is not present in population databases (gnomAD no frequency). This variant has not been reported in the literature in individuals affected with CLCN1-related conditions. ClinVar contains an entry for this variant (Variation ID: 1381093). For these reasons, this variant has been classified as Pathogenic.

Literature cited by the submitters: PubMed 17932099; PubMed 22094069; PubMed 23739125.